The following is an entry in ClinVar:

ClinVar aggregate classification (germline): Likely benign (1 of 4 stars; one submission).

Allele frequency attached by ClinVar (database versions not stated): gnomAD exomes below 0.00001.

Submission:

Foulkes Cancer Genetics LDI, Lady Davis Institute for Medical Research
Classification: Likely benign. Last evaluated: 2019-07-01. Review status: criteria provided, single submitter. Criteria: ACMG Guidelines, 2015. Collection method: curation. Allele origin: germline. Affected: yes. Observed: 2 variant alleles.
Comment: ACMG criteria met: PM2, BS3, BP1

Literature cited by the submitters: PubMed 29708584.

NM_177438.3(DICER1):c.5133T>G (p.Ile1711Met)

Gene: DICER1 (dicer 1, ribonuclease III; minus strand). Cytogenetic location: 14q32.13.
Variant type: single nucleotide variant.
Coding change: c.5133T>G on transcript NM_177438.3 (MANE Select); coding-DNA position 5133, T replaced by G.
Protein change: p.Ile1711Met; replaces isoleucine 1711 with methionine.
Molecular consequence: missense variant.
Genome position (GRCh38, 1-based): chr14:95,094,119, A>C on the plus strand (T>G on the coding strand, the complement: DICER1 is on the minus strand). VCF-style: chr14-95094119-A-C. GRCh37 (hg19) VCF-style: chr14-95560456-A-C.
Other names: c.5133T>G, p.Ile1711Met (NM_001195573.1, NM_001271282.3, NM_001291628.2 and 1 more transcripts); short protein forms I1711M.
Identifiers: ClinVar variation 933033 (VCV000933033.2), dbSNP rs1890097799, ClinGen allele CA390865376.
Genomic context (GRCh38, chr14:95,094,119, plus strand): 5'-GACCCCCGGGGAGTGCTGCCGCGGGTCTTCATAAAGGTGCTTGGTTATGAGGTAGTCCAA[A>C]ATCGCATCTCCCAGGAATTCTAAGCGCTGGTAACAATCTGAGGGGATCCGAAGTGGAACC-3'
Protein context (NP_803187.1, residues 1701-1721): YQRLEFLGDA[Ile1711Met]LDYLITKHLY